The following is an entry in ClinVar:

NM_002485.5(NBN):c.1499T>C (p.Leu500Ser)

Gene: NBN (nibrin; minus strand). Cytogenetic location: 8q21.3.
Variant type: single nucleotide variant.
Coding change: c.1499T>C on transcript NM_002485.5 (MANE Select); coding-DNA position 1499, T replaced by C.
Protein change: p.Leu500Ser; replaces leucine 500 with serine.
Molecular consequence: missense variant.
Genome position (GRCh38, 1-based): chr8:89,953,590, A>G on the plus strand (T>C on the coding strand, the complement: NBN is on the minus strand). VCF-style: chr8-89953590-A-G. GRCh37 (hg19) VCF-style: chr8-90965818-A-G.
Other names: c.1253T>C, p.Leu418Ser (NM_001024688.3); short protein forms L500S, L418S.
Identifiers: ClinVar variation 565399 (VCV000565399.19), dbSNP rs1563526901, ClinGen allele CA371655734.

ClinVar aggregate classification (germline): Uncertain significance. Review status: criteria provided, multiple submitters, no conflicts (2 of 4 stars). 4 submissions from 4 submitters: Uncertain significance (4). Last evaluated 2025-11-17.

Conditions:
Hereditary cancer-predisposing syndrome. Also called: Neoplastic Syndromes, Hereditary; Tumor predisposition; Hereditary Cancer Syndrome; Hereditary neoplastic syndrome. Identifiers: Orphanet 140162, MedGen C0027672, MeSH D009386, MONDO:0015356.
Aplastic anemia. Identifiers: Orphanet 182040, Orphanet 88, MedGen C0002874, MONDO:0015909, OMIM 609135, HP:0001915.
Microcephaly, normal intelligence and immunodeficiency (NBS). Also called: Nijmegen breakage syndrome; Immunodeficiency, microcephaly with normal intelligence; SEEMANOVA SYNDROME II; Microcephaly with normal intelligence immunodeficiency and lymphoreticular malignancies; Nonsyndromal microcephaly autosomal recessive with normal intelligence; Seemanova syndrome 2. Identifiers: Orphanet 647, MedGen C0398791, MONDO:0009623, OMIM 251260.

Submissions (4):

Labcorp Genetics (formerly Invitae), Labcorp
Classification: Uncertain significance for Microcephaly, normal intelligence and immunodeficiency. Last evaluated: 2025-11-17. Review status: criteria provided, single submitter. Criteria: Invitae Variant Classification Sherloc (09022015). Collection method: clinical testing. Allele origin: germline.
Comment: This sequence change replaces leucine, which is neutral and non-polar, with serine, which is neutral and polar, at codon 500 of the NBN protein (p.Leu500Ser). This variant is not present in population databases (gnomAD no frequency). This variant has not been reported in the literature in individuals affected with NBN-related conditions. ClinVar contains an entry for this variant (Variation ID: 565399). An algorithm developed to predict the effect of missense changes on protein structure and function (PolyPhen-2) suggests that this variant is likely to be tolerated. In summary, the available evidence is currently insufficient to determine the role of this variant in disease. Therefore, it has been classified as a Variant of Uncertain Significance.

Ambry Genetics
Classification: Uncertain significance for Hereditary cancer-predisposing syndrome. Last evaluated: 2024-06-25. Review status: criteria provided, single submitter. Criteria: Ambry Variant Classification Scheme 2023. Collection method: clinical testing. Allele origin: germline.
Comment: The p.L500S variant (also known as c.1499T>C), located in coding exon 11 of the NBN gene, results from a T to C substitution at nucleotide position 1499. The leucine at codon 500 is replaced by serine, an amino acid with dissimilar properties. This amino acid position is poorly conserved in available vertebrate species. In addition, this alteration is predicted to be tolerated by in silico analysis. Since supporting evidence is limited at this time, the clinical significance of this alteration remains unclear.

Baylor Genetics
Classification: Uncertain significance for Aplastic anemia. Last evaluated: 2023-05-30. Review status: criteria provided, single submitter. Criteria: ACMG Guidelines, 2015. Collection method: clinical testing. Allele origin: unknown.

Genome-Nilou Lab
Classification: Uncertain significance for Microcephaly, normal intelligence and immunodeficiency. Last evaluated: 2021-11-07. Review status: criteria provided, single submitter. Criteria: ACMG Guidelines, 2015. Collection method: clinical testing. Allele origin: germline. Affected: no.